The following is an entry in ClinVar:

ClinVar aggregate classification (germline): Likely benign (1 of 4 stars; one submission).

Submission:

CeGaT Center for Human Genetics Tuebingen
Classification: Likely benign. Last evaluated: 2025-11-01. Review status: criteria provided, single submitter. Criteria: CeGaT Center For Human Genetics Tuebingen Variant Classification Criteria Version 2. Collection method: clinical testing. Allele origin: germline. Affected: yes. Observed: 1 variant allele.
Comment: TCAF1: BP4, BP7

NM_014719.3(TCAF1):c.2484C>T (p.Thr828=)

Gene: TCAF1 (TRPM8 channel associated factor 1; minus strand). Cytogenetic location: 7q35.
Variant type: single nucleotide variant.
Coding change: c.2484C>T on transcript NM_014719.3 (MANE Select); coding-DNA position 2484, C replaced by T.
Protein change: p.Thr828=; no amino-acid change (threonine 828 retained).
Molecular consequence: synonymous variant.
Genome position (GRCh38, 1-based): chr7:143,858,845, G>A on the plus strand (C>T on the coding strand, the complement: TCAF1 is on the minus strand). VCF-style: chr7-143858845-G-A. GRCh37 (hg19) VCF-style: chr7-143555938-G-A.
Other names: c.2484C>T, p.Thr828= (NM_001206938.2); c.1212C>T, p.Thr404= (NM_001206941.2).
Identifiers: ClinVar variation 4533637 (VCV004533637.6).